The following is an entry in ClinVar:

NM_016507.4(CDK12):c.3211A>T (p.Thr1071Ser)

Gene: CDK12 (cyclin dependent kinase 12; plus strand). Cytogenetic location: 17q12.
Variant type: single nucleotide variant.
Coding change: c.3211A>T on transcript NM_016507.4 (MANE Select); coding-DNA position 3211, A replaced by T.
Protein change: p.Thr1071Ser; replaces threonine 1071 with serine.
Molecular consequence: missense variant.
Genome position (GRCh38, 1-based): chr17:39,524,789, A>T. VCF-style: chr17-39524789-A-T. GRCh37 (hg19) VCF-style: chr17-37681042-A-T.
Other names: c.3211A>T, p.Thr1071Ser (NM_015083.4); short protein forms T1071S.
Identifiers: ClinVar variation 4224232 (VCV004224232.1).

ClinVar aggregate classification (germline): Uncertain significance (1 of 4 stars; one submission).

Submission:

Ambry Genetics
Classification: Uncertain significance. Last evaluated: 2025-06-26. Review status: criteria provided, single submitter. Criteria: Ambry Variant Classification Scheme 2023. Collection method: clinical testing. Allele origin: germline.
Comment: The p.T1071S variant (also known as c.3211A>T), located in coding exon 12 of the CDK12 gene, results from an A to T substitution at nucleotide position 3211. The threonine at codon 1071 is replaced by serine, an amino acid with similar properties. This amino acid position is conserved. In addition, this alteration is predicted to be tolerated by in silico analysis. Based on the available evidence, the clinical significance of this variant remains unclear.